The following is an entry in ClinVar:

NM_014516.4(CNOT3):c.882T>G (p.Ser294Arg)

Gene: CNOT3 (CCR4-NOT transcription complex subunit 3; plus strand). Cytogenetic location: 19q13.42.
Variant type: single nucleotide variant.
Coding change: c.882T>G on transcript NM_014516.4 (MANE Select); coding-DNA position 882, T replaced by G.
Protein change: p.Ser294Arg; replaces serine 294 with arginine.
Molecular consequence: missense variant.
Genome position (GRCh38, 1-based): chr19:54,146,645, T>G. VCF-style: chr19-54146645-T-G. GRCh37 (hg19) VCF-style: chr19-54650381-T-G.
Other names: short protein forms S294R.
Identifiers: ClinVar variation 3031034 (VCV003031034.2), dbSNP rs2517699553, ClinGen allele CA407762729.

ClinVar aggregate classification (germline): Uncertain significance (0 of 4 stars; one submission).

Conditions:
CNOT3-related disorder. Also called: CNOT3-related condition.

Submission:

PreventionGenetics, part of Exact Sciences
Classification: Uncertain significance for CNOT3-related condition. Last evaluated: 2023-12-31. Review status: no assertion criteria provided. Collection method: clinical testing. Allele origin: germline.
Comment: The CNOT3 c.882T>G variant is predicted to result in the amino acid substitution p.Ser294Arg. To our knowledge, this variant has not been reported in the literature or in a large population database, indicating this variant is rare. At this time, the clinical significance of this variant is uncertain due to the absence of conclusive functional and genetic evidence.